The following is an entry in ClinVar:

NM_001367624.2(ZNF469):c.8014G>C (p.Ala2672Pro)

Gene: ZNF469 (zinc finger protein 469; plus strand). Cytogenetic location: 16q24.2.
Variant type: single nucleotide variant.
Coding change: c.8014G>C on transcript NM_001367624.2 (MANE Select); coding-DNA position 8014, G replaced by C.
Protein change: p.Ala2672Pro; replaces alanine 2672 with proline.
Molecular consequence: missense variant.
Genome position (GRCh38, 1-based): chr16:88,435,484, G>C. VCF-style: chr16-88435484-G-C. GRCh37 (hg19) VCF-style: chr16-88501892-G-C.
Other names: short protein forms A2672P.
Identifiers: ClinVar variation 2881729 (VCV002881729.3), dbSNP rs1302533609, ClinGen allele CA397115625.

ClinVar aggregate classification (germline): Uncertain significance (1 of 4 stars; one submission).

Allele frequency attached by ClinVar (database versions not stated): gnomAD 0.00001.
gnomAD v4.1: 1 of 1,548,914 alleles (0.000065%); highest among the groups gnomAD compares: Non-Finnish European, 0.000087%; no homozygotes.

Submission:

Labcorp Genetics (formerly Invitae), Labcorp
Classification: Uncertain significance. Last evaluated: 2023-06-07. Review status: criteria provided, single submitter. Criteria: Invitae Variant Classification Sherloc (09022015). Collection method: clinical testing. Allele origin: germline.
Comment: In summary, the available evidence is currently insufficient to determine the role of this variant in disease. Therefore, it has been classified as a Variant of Uncertain Significance. Algorithms developed to predict the effect of missense changes on protein structure and function output the following: SIFT: "Not Available"; PolyPhen-2: "Benign"; Align-GVGD: "Not Available". The proline amino acid residue is found in multiple mammalian species, which suggests that this missense change does not adversely affect protein function. This variant has not been reported in the literature in individuals affected with ZNF469-related conditions. This variant is not present in population databases (gnomAD no frequency). This sequence change replaces alanine, which is neutral and non-polar, with proline, which is neutral and non-polar, at codon 2644 of the ZNF469 protein (p.Ala2644Pro).